The following is an entry in ClinVar:

ClinVar aggregate classification (germline): Likely pathogenic (1 of 4 stars; one submission).

Submission:

GeneDx
Classification: Likely pathogenic. Last evaluated: 2025-08-21. Review status: criteria provided, single submitter. Criteria: GeneDx Variant Classification Process June 2021. Collection method: clinical testing. Allele origin: germline.
Comment: Identified in a cohort of individuals undergoing whole exome sequencing, but clinical information was not included (PMID: 32369273); In silico analysis supports that this missense variant has a deleterious effect on protein structure/function; Not observed at significant frequency in large population cohorts (gnomAD); This variant is associated with the following publications: (PMID: 26125038, 21820098, 21376300, 32369273)

NM_001244008.2(KIF1A):c.164C>A (p.Ser55Tyr)

Gene: KIF1A (kinesin family member 1A; minus strand). Cytogenetic location: 2q37.3.
Variant type: single nucleotide variant.
Coding change: c.164C>A on transcript NM_001244008.2 (MANE Select); coding-DNA position 164, C replaced by A.
Protein change: p.Ser55Tyr; replaces serine 55 with tyrosine.
Molecular consequence: missense variant.
Genome position (GRCh38, 1-based): chr2:240,789,255, G>T on the plus strand (C>A on the coding strand, the complement: KIF1A is on the minus strand). VCF-style: chr2-240789255-G-T. GRCh37 (hg19) VCF-style: chr2-241728672-G-T.
Other names: c.164C>A, p.Ser55Tyr (NM_001320705.2, NM_001330289.2, NM_001330290.2 and 20 more transcripts); short protein forms S55Y.
Identifiers: ClinVar variation 3897203 (VCV003897203.2).